The following is an entry in ClinVar:

ClinVar aggregate classification (germline): Uncertain significance (1 of 4 stars; one submission).

Conditions:
Focal segmental glomerulosclerosis 5 (FSGS5). Identifiers: Orphanet 656, MedGen C2750475, MONDO:0013191, OMIM 613237.
Charcot-Marie-Tooth disease dominant intermediate E. Also called: CHARCOT-MARIE-TOOTH NEUROPATHY WITH FOCAL SEGMENTAL GLOMERULONEPHRITIS. Identifiers: Orphanet 93114, MedGen C4302667, MONDO:0013758, OMIM 614455.

Allele frequency attached by ClinVar (database versions not stated): gnomAD exomes below 0.00001.

Submission:

Labcorp Genetics (formerly Invitae), Labcorp
Classification: Uncertain significance for Charcot-Marie-Tooth disease dominant intermediate E; Focal segmental glomerulosclerosis 5. Last evaluated: 2021-11-27. Review status: criteria provided, single submitter. Criteria: Invitae Variant Classification Sherloc (09022015). Collection method: clinical testing. Allele origin: germline.
Comment: In summary, the available evidence is currently insufficient to determine the role of this variant in disease. Therefore, it has been classified as a Variant of Uncertain Significance. Algorithms developed to predict the effect of missense changes on protein structure and function are either unavailable or do not agree on the potential impact of this missense change (SIFT: "Deleterious"; PolyPhen-2: "Not Available"; Align-GVGD: "Class C0"). This variant has not been reported in the literature in individuals affected with INF2-related conditions. This variant is not present in population databases (gnomAD no frequency). This sequence change replaces glutamic acid, which is acidic and polar, with glycine, which is neutral and non-polar, at codon 579 of the INF2 protein (p.Glu579Gly).

NM_022489.4(INF2):c.1736A>G (p.Glu579Gly)

Gene: INF2 (inverted formin 2; plus strand). Cytogenetic location: 14q32.33.
Variant type: single nucleotide variant.
Coding change: c.1736A>G on transcript NM_022489.4 (MANE Select); coding-DNA position 1736, A replaced by G.
Protein change: p.Glu579Gly; replaces glutamic acid 579 with glycine.
Molecular consequence: missense variant.
Genome position (GRCh38, 1-based): chr14:104,708,436, A>G. VCF-style: chr14-104708436-A-G. GRCh37 (hg19) VCF-style: chr14-105174773-A-G.
Other names: c.1736A>G, p.Glu579Gly (NM_001031714.4); short protein forms E579G.
Identifiers: ClinVar variation 1394555 (VCV001394555.6), dbSNP rs2140671973, ClinGen allele CA391218331.